The following is an entry in ClinVar:

ClinVar aggregate classification (germline): Uncertain significance (1 of 4 stars; one submission).

Conditions:
Arrhythmogenic right ventricular dysplasia 5. Also called: Arrhythmogenic Right Ventricular Dysplasia/Cardiomyopathy 5; ARRHYTHMOGENIC RIGHT VENTRICULAR DYSPLASIA, FAMILIAL, 5. Identifiers: MedGen C1858379, MONDO:0011459, OMIM 604400.

gnomAD v4.1: 1 of 1,614,198 alleles (0.000062%); highest among the groups gnomAD compares: Non-Finnish European, 0.000085%; no homozygotes.

Submission:

Labcorp Genetics (formerly Invitae), Labcorp
Classification: Uncertain significance for Arrhythmogenic right ventricular dysplasia 5. Last evaluated: 2024-04-29. Review status: criteria provided, single submitter. Criteria: Invitae Variant Classification Sherloc (09022015). Collection method: clinical testing. Allele origin: germline.
Comment: This sequence change replaces serine, which is neutral and polar, with tyrosine, which is neutral and polar, at codon 279 of the TMEM43 protein (p.Ser279Tyr). This variant is not present in population databases (gnomAD no frequency). This variant has not been reported in the literature in individuals affected with TMEM43-related conditions. Advanced modeling of protein sequence and biophysical properties (such as structural, functional, and spatial information, amino acid conservation, physicochemical variation, residue mobility, and thermodynamic stability) performed at Invitae indicates that this missense variant is not expected to disrupt TMEM43 protein function with a negative predictive value of 80%. In summary, the available evidence is currently insufficient to determine the role of this variant in disease. Therefore, it has been classified as a Variant of Uncertain Significance.

NM_024334.3(TMEM43):c.836C>A (p.Ser279Tyr)

Gene: TMEM43 (transmembrane protein 43; plus strand). Cytogenetic location: 3p25.1.
Variant type: single nucleotide variant.
Coding change: c.836C>A on transcript NM_024334.3 (MANE Select); coding-DNA position 836, C replaced by A.
Protein change: p.Ser279Tyr; replaces serine 279 with tyrosine.
Molecular consequence: missense variant.
Genome position (GRCh38, 1-based): chr3:14,135,862, C>A. VCF-style: chr3-14135862-C-A. GRCh37 (hg19) VCF-style: chr3-14177362-C-A.
Other names: c.821C>A, p.Ser274Tyr (NM_001407278.1); c.761C>A, p.Ser254Tyr (NM_001407279.1); c.686C>A, p.Ser229Tyr (NM_001407280.1); c.839C>A, p.Ser280Tyr (NM_001407274.1); c.833C>A, p.Ser278Tyr (NM_001407275.1, NM_001407277.1); c.836C>A, p.Ser279Tyr (NM_001407276.1); short protein forms S254Y, S278Y, S279Y, S229Y, S274Y, S280Y.
Identifiers: ClinVar variation 3705710 (VCV003705710.2).